The following is an entry in ClinVar:

NM_006514.4(SCN10A):c.3804+1G>A

Gene: SCN10A (sodium voltage-gated channel alpha subunit 10; minus strand). Cytogenetic location: 3p22.2.
Variant type: single nucleotide variant.
Coding change: c.3804+1G>A on transcript NM_006514.4 (MANE Select); the canonical splice donor site of the intron after coding-DNA position 3804, G replaced by A.
Molecular consequence: splice donor variant.
Genome position (GRCh38, 1-based): chr3:38,713,957, C>T on the plus strand (G>A on the coding strand, the complement: SCN10A is on the minus strand). VCF-style: chr3-38713957-C-T. GRCh37 (hg19) VCF-style: chr3-38755448-C-T.
Other names: c.3510+1G>A (NM_001293307.2); c.3801+1G>A (NM_001293306.2).
Identifiers: ClinVar variation 1365500 (VCV001365500.9), dbSNP rs1363445455, ClinGen allele CA352151426.

ClinVar aggregate classification (germline): Uncertain significance. Review status: criteria provided, multiple submitters, no conflicts (2 of 4 stars). 2 submissions from 2 submitters: Uncertain significance (2). Last evaluated 2022-10-24.

Conditions:
Brugada syndrome. Also called: Sudden Unexplained Nocturnal Death Syndrome (SUNDS); Sudden unexplained nocturnal death syndrome; Sudden Unexplained Death Syndrome; Sudden unexpected nocturnal death syndrome. Identifiers: Orphanet 130, MedGen C1142166, MONDO:0015263.
Cardiovascular phenotype. Identifiers: MedGen CN230736.

Allele frequency attached by ClinVar (database versions not stated): gnomAD 0.00001; gnomAD exomes 0.00001; TOPMed 0.00001.
gnomAD v4.1: 10 of 1,613,088 alleles (0.00062%); highest among the groups gnomAD compares: South Asian, 0.0011%; no homozygotes.

Submissions (2):

Ambry Genetics
Classification: Uncertain significance for Cardiovascular phenotype. Last evaluated: 2022-10-24. Review status: criteria provided, single submitter. Criteria: Ambry Variant Classification Scheme 2023. Collection method: clinical testing. Allele origin: germline.
Comment: The c.3804+1G>A intronic variant results from a G to A substitution one nucleotide after coding exon 21 of the SCN10A gene. This nucleotide position is highly conserved in available vertebrate species. In silico splice site analysis predicts that this alteration will weaken the native splice donor site. Alterations that disrupt the canonical splice site are expected to cause aberrant splicing, resulting in an abnormal protein or a transcript that is subject to nonsense-mediated mRNA decay; however, loss of function of SCN10A has not been established as a mechanism of disease. The evidence for this gene-disease relationship is limited; therefore, the clinical significance of this alteration is unclear.

Labcorp Genetics (formerly Invitae), Labcorp
Classification: Uncertain significance for Brugada syndrome. Last evaluated: 2022-02-03. Review status: criteria provided, single submitter. Criteria: Invitae Variant Classification Sherloc (09022015). Collection method: clinical testing. Allele origin: germline.
Comment: In summary, the available evidence is currently insufficient to determine the role of this variant in disease. Therefore, it has been classified as a Variant of Uncertain Significance. Algorithms developed to predict the effect of sequence changes on RNA splicing suggest that this variant may disrupt the consensus splice site. This variant has not been reported in the literature in individuals affected with SCN10A-related conditions. This variant is not present in population databases (gnomAD no frequency). This sequence change affects a donor splice site in intron 21 of the SCN10A gene. It is expected to disrupt RNA splicing. Variants that disrupt the donor or acceptor splice site typically lead to a loss of protein function (PMID: 16199547), however the current clinical and genetic evidence is not sufficient to establish whether loss-of-function variants in SCN10A cause disease.

Literature cited by the submitters: PubMed 16199547 (cited by Labcorp Genetics (formerly Invitae), Labcorp).